The following is an entry in ClinVar:

NM_152564.5(VPS13B):c.10809G>A (p.Ala3603=)

Gene: VPS13B (vacuolar protein sorting 13 homolog B; plus strand). Cytogenetic location: 8q22.2.
Variant type: single nucleotide variant.
Coding change: c.10809G>A on transcript NM_152564.5 (MANE Select); coding-DNA position 10809, G replaced by A.
Protein change: p.Ala3603=; no amino-acid change (alanine 3603 retained).
Molecular consequence: synonymous variant.
Genome position (GRCh38, 1-based): chr8:99,854,198, G>A. VCF-style: chr8-99854198-G-A. GRCh37 (hg19) VCF-style: chr8-100866426-G-A.
Other names: c.10884G>A, p.Ala3628= (NM_017890.5); c.10809G>A (NM_152564.4).
Identifiers: ClinVar variation 712723 (VCV000712723.43), dbSNP rs768029540, ClinGen allele CA4825019.

ClinVar aggregate classification (germline): Likely benign. Review status: criteria provided, multiple submitters, no conflicts (2 of 4 stars). 4 submissions from 4 submitters: Likely benign (3). 1 of the submissions does not count toward it. Last evaluated 2025-07-20.

Conditions:
VPS13B-related disorder. Also called: VPS13B-related condition.
Cohen syndrome (COH1). Also called: Cutis verticis gyrata, retinitis pigmentosa, and sensorineural deafness; PEPPER SYNDROME. Identifiers: Orphanet 193, MedGen C0265223, MONDO:0008999, OMIM 216550.

Allele frequency attached by ClinVar (database versions not stated): ExAC 0.00001; gnomAD exomes 0.00001; gnomAD 0.00004; TOPMed 0.00004.
gnomAD v4.1: 22 of 1,613,902 alleles (0.0014%); highest among the groups gnomAD compares: Admixed American, 0.005%; no homozygotes.

Submissions (4):

Labcorp Genetics (formerly Invitae), Labcorp
Classification: Likely benign for Cohen syndrome. Last evaluated: 2025-07-20. Review status: criteria provided, single submitter. Criteria: Invitae Variant Classification Sherloc (09022015). Collection method: clinical testing. Allele origin: germline.

CeGaT Center for Human Genetics Tuebingen
Classification: Likely benign. Last evaluated: 2025-02-01. Review status: criteria provided, single submitter. Criteria: CeGaT Center For Human Genetics Tuebingen Variant Classification Criteria Version 2. Collection method: clinical testing. Allele origin: germline. Affected: yes. Observed: 2 variant alleles.
Comment: VPS13B: BP4, BP7

Blueprint Genetics
Classification: Likely benign. Last evaluated: 2021-06-14. Review status: criteria provided, single submitter. Criteria: ACMG Guidelines, 2015. Collection method: clinical testing. Allele origin: germline.

PreventionGenetics, part of Exact Sciences
Classification: Likely benign for VPS13B-related condition. Last evaluated: 2023-05-05. Review status: no assertion criteria provided. Collection method: clinical testing. Allele origin: germline. Not counted in ClinVar's aggregate classification.
Comment: This variant is classified as likely benign based on ACMG/AMP sequence variant interpretation guidelines (Richards et al. 2015 PMID: 25741868, with internal and published modifications).